The following is an entry in ClinVar:

ClinVar aggregate classification (germline): Pathogenic (1 of 4 stars; one submission).

Submission:

GeneDx
Classification: Pathogenic. Last evaluated: 2019-10-29. Review status: criteria provided, single submitter. Criteria: GeneDx Variant Classification Process June 2021. Collection method: clinical testing. Allele origin: germline. Affected: yes.
Comment: Frameshift variant predicted to result in protein truncation or nonsense mediated decay in a gene for which loss-of-function is a known mechanism of disease; Not observed in large population cohorts (Lek et al., 2016); Has not been previously published as pathogenic or benign to our knowledge

NM_000238.4(KCNH2):c.1150dup (p.Val384fs)

Gene: KCNH2 (potassium voltage-gated channel subfamily H member 2; minus strand). Cytogenetic location: 7q36.1.
Variant type: Duplication.
Coding change: c.1150dup on transcript NM_000238.4 (MANE Select); coding-DNA position 1150, one base duplicated (G; older notation c.1150dupG).
Protein change: p.Val384fs; shifts the reading frame from valine 384.
Molecular consequence: frameshift variant.
Genome position (GRCh38, 1-based): chr7:150,952,832, C duplicated on the plus strand (G on the coding strand, the reverse complement: KCNH2 is on the minus strand). VCF-style (leftmost placement, unchanged base first): chr7-150952831-A-AC. GRCh37 (hg19) VCF-style: chr7-150649919-A-AC.
Other names: c.130dup, p.Val44fs (NM_001204798.2, NM_172057.3); c.862dup, p.Val288Glyfs (NM_001406753.1, NM_001406756.1); c.973dup, p.Val325Glyfs (NM_001406755.1); c.850dup, p.Val284Glyfs (NM_001406757.1); c.1150dup, p.Val384Glyfs (NM_172056.3); c.1150dupG (NM_000238.2); short protein forms V384fs, V44fs.
Identifiers: ClinVar variation 200628 (VCV000200628.5), dbSNP rs794728433, ClinGen allele CA305305.